The following is an entry in ClinVar:

NM_024529.5(CDC73):c.-3A>G

Gene: CDC73 (cell division cycle 73; plus strand). Cytogenetic location: 1q31.2.
Variant type: single nucleotide variant.
Coding change: c.-3A>G on transcript NM_024529.5 (MANE Select); 3 bases upstream of the start codon, A replaced by G.
Molecular consequence: 5 prime UTR variant.
Genome position (GRCh38, 1-based): chr1:193,122,198, A>G. VCF-style: chr1-193122198-A-G. GRCh37 (hg19) VCF-style: chr1-193091328-A-G.
Identifiers: ClinVar variation 2450590 (VCV002450590.3), dbSNP rs777725448, ClinGen allele CA1303237.

ClinVar aggregate classification (germline): Uncertain significance (1 of 4 stars; one submission).

Conditions:
Hereditary cancer-predisposing syndrome. Also called: Neoplastic Syndromes, Hereditary; Tumor predisposition; Hereditary neoplastic syndrome; Hereditary Cancer Syndrome. Identifiers: Orphanet 140162, MedGen C0027672, MeSH D009386, MONDO:0015356.

Allele frequency attached by ClinVar (database versions not stated): gnomAD 0.00001; ExAC 0.00013.

Submission:

Ambry Genetics
Classification: Uncertain significance for Hereditary cancer-predisposing syndrome. Last evaluated: 2025-10-30. Review status: criteria provided, single submitter. Criteria: Ambry Variant Classification Scheme 2023. Collection method: clinical testing. Allele origin: germline.
Comment: The c.-3A>G variant is located in the 5' untranslated region (5&rsquo; UTR) of the CDC73 gene. This variant results from an A to G substitution 3 bases upstream from the first translated codon. This nucleotide position is highly conserved in available vertebrate species. Based on the available evidence, the clinical significance of this variant remains unclear.